The following is an entry in ClinVar:

NM_001252024.2(TRPM1):c.4444T>C (p.Ser1482Pro)

Gene: TRPM1 (transient receptor potential cation channel subfamily M member 1; minus strand). Cytogenetic location: 15q13.3.
Variant type: single nucleotide variant.
Coding change: c.4444T>C on transcript NM_001252024.2 (MANE Select); coding-DNA position 4444, T replaced by C.
Protein change: p.Ser1482Pro; replaces serine 1482 with proline.
Molecular consequence: missense variant.
Genome position (GRCh38, 1-based): chr15:31,002,256, A>G on the plus strand (T>C on the coding strand, the complement: TRPM1 is on the minus strand). VCF-style: chr15-31002256-A-G. GRCh37 (hg19) VCF-style: chr15-31294459-A-G.
Other names: c.4495T>C, p.Ser1499Pro (NM_001252020.2); c.4378T>C, p.Ser1460Pro (NM_002420.6); short protein forms S1460P, S1482P, S1499P.
Identifiers: ClinVar variation 1059193 (VCV001059193.9), dbSNP rs2141099161, ClinGen allele CA391524029.

ClinVar aggregate classification (germline): Uncertain significance (1 of 4 stars; one submission).

Allele frequency attached by ClinVar (database versions not stated): gnomAD exomes below 0.00001.
gnomAD v4.1: 1 of 1,614,192 alleles (0.000062%); highest among the groups gnomAD compares: East Asian, 0.0022%; no homozygotes.

Submission:

Labcorp Genetics (formerly Invitae), Labcorp
Classification: Uncertain significance. Last evaluated: 2020-02-05. Review status: criteria provided, single submitter. Criteria: Invitae Variant Classification Sherloc (09022015). Collection method: clinical testing. Allele origin: germline.
Comment: In summary, the available evidence is currently insufficient to determine the role of this variant in disease. Therefore, it has been classified as a Variant of Uncertain Significance. Algorithms developed to predict the effect of missense changes on protein structure and function (SIFT, PolyPhen-2, Align-GVGD) all suggest that this variant is likely to be tolerated, but these predictions have not been confirmed by published functional studies and their clinical significance is uncertain. This variant has not been reported in the literature in individuals with TRPM1-related conditions. This variant is not present in population databases (ExAC no frequency). This sequence change replaces serine with proline at codon 1460 of the TRPM1 protein (p.Ser1460Pro). The serine residue is moderately conserved and there is a moderate physicochemical difference between serine and proline.